The following is an entry in ClinVar:

ClinVar aggregate classification (germline): Pathogenic. Review status: criteria provided, multiple submitters, no conflicts (2 of 4 stars). 2 submissions from 2 submitters: Pathogenic (2). Last evaluated 2022-12-29.

Submissions (2):

GeneDx
Classification: Pathogenic. Last evaluated: 2022-12-29. Review status: criteria provided, single submitter. Criteria: GeneDx Variant Classification Process June 2021. Collection method: clinical testing. Allele origin: germline. Affected: yes.
Comment: Nonsense variant predicted to result in protein truncation or nonsense mediated decay in a gene for which loss-of-function is a known mechanism of disease; Has not been previously published as pathogenic or benign to our knowledge; Not observed at significant frequency in large population cohorts (gnomAD)

Greenwood Genetic Center Diagnostic Laboratories, Greenwood Genetic Center
Classification: Pathogenic. Last evaluated: 2020-08-11. Review status: criteria provided, single submitter. Criteria: ACMG Guidelines, 2015. Collection method: clinical testing. Allele origin: germline. Affected: yes.

NM_021224.6(ZNF462):c.3649C>T (p.Arg1217Ter)

Gene: ZNF462 (zinc finger protein 462; plus strand). Cytogenetic location: 9q31.2.
Variant type: single nucleotide variant.
Coding change: c.3649C>T on transcript NM_021224.6 (MANE Select); coding-DNA position 3649, C replaced by T.
Protein change: p.Arg1217Ter; replaces arginine 1217 with a stop codon.
Molecular consequence: nonsense. On other transcripts: intron variant (1).
Genome position (GRCh38, 1-based): chr9:106,927,561, C>T. VCF-style: chr9-106927561-C-T. GRCh37 (hg19) VCF-style: chr9-109689842-C-T.
Other names: c.3252+397C>T (NM_001347997.2); short protein forms R1217*.
Identifiers: ClinVar variation 992286 (VCV000992286.6), dbSNP rs1490120963, ClinGen allele CA374403990.